The following is an entry in ClinVar:

ClinVar aggregate classification (germline): Conflicting classifications of pathogenicity. Review status: criteria provided, conflicting classifications (1 of 4 stars). 5 submissions from 5 submitters: Uncertain significance (4); Likely benign (1). Last evaluated 2025-10-01.

Conditions:
Hereditary cancer-predisposing syndrome. Also called: Neoplastic Syndromes, Hereditary; Hereditary neoplastic syndrome; Tumor predisposition; Hereditary Cancer Syndrome. Identifiers: Orphanet 140162, MedGen C0027672, MeSH D009386, MONDO:0015356.
Intellectual disability, autosomal dominant 16 (CSS4). Also called: COFFIN-SIRIS SYNDROME 4. Identifiers: Orphanet 1465, MedGen C3553249, MONDO:0013821, OMIM 614609.
Rhabdoid tumor predisposition syndrome 2 (RTPS2). Identifiers: Orphanet 231108, Orphanet 69077, MedGen C2750074, MONDO:0013224, OMIM 613325.

Allele frequency attached by ClinVar (database versions not stated): gnomAD exomes below 0.00001; gnomAD 0.00002; TOPMed 0.00003.
gnomAD v4.1: 9 of 1,609,648 alleles (0.00056%); highest among the groups gnomAD compares: African/African-American, 0.0013%; no homozygotes.

Submissions (5):

Labcorp Genetics (formerly Invitae), Labcorp
Classification: Uncertain significance for Rhabdoid tumor predisposition syndrome 2. Last evaluated: 2025-10-01. Review status: criteria provided, single submitter. Criteria: Invitae Variant Classification Sherloc (09022015). Collection method: clinical testing. Allele origin: germline.
Comment: This sequence change replaces methionine, which is neutral and non-polar, with valine, which is neutral and non-polar, at codon 342 of the SMARCA4 protein (p.Met342Val). This variant is present in population databases (no rsID available, gnomAD 0.004%). This variant has not been reported in the literature in individuals affected with SMARCA4-related conditions. ClinVar contains an entry for this variant (Variation ID: 238357). An algorithm developed to predict the effect of missense changes on protein structure and function (PolyPhen-2) suggests that this variant is likely to be tolerated. In summary, the available evidence is currently insufficient to determine the role of this variant in disease. Therefore, it has been classified as a Variant of Uncertain Significance.

Baylor Genetics
Classification: Uncertain significance for Rhabdoid tumor predisposition syndrome 2. Last evaluated: 2023-12-28. Review status: criteria provided, single submitter. Criteria: ACMG Guidelines, 2015. Collection method: clinical testing. Allele origin: unknown.

Genome-Nilou Lab
Classification: Uncertain significance for Intellectual disability, autosomal dominant 16. Last evaluated: 2021-07-15. Review status: criteria provided, single submitter. Criteria: ACMG Guidelines, 2015. Collection method: clinical testing. Allele origin: germline. Affected: no.

Sema4
Classification: Uncertain significance for Hereditary cancer-predisposing syndrome. Last evaluated: 2021-04-12. Review status: criteria provided, single submitter. Criteria: Sema4 Curation Guidelines. Collection method: curation. Allele origin: germline.
Comment: The SMARCA4 c.1024A>G (p.M342V) variant has not been reported in the literature to our knowledge. It was observed in 2/264456 chromosomes in the large and broad cohorts of the Genome Aggregation Database (PMID: 32461654). The variant has been reported in ClinVar (Variation ID 238357). In silico tools suggest the impact of the variant on protein function is inconclusive, though these predictions have not been confirmed by functional studies. The evidence is insufficient to meet ACMG/AMP criteria for classifying the variant as benign or pathogenic. Thus, the clinical significance of this variant is currently uncertain.

Ambry Genetics
Classification: Likely benign for Hereditary cancer-predisposing syndrome. Last evaluated: 2021-01-21. Review status: criteria provided, single submitter. Criteria: Ambry Variant Classification Scheme 2023. Collection method: clinical testing. Allele origin: germline.

NM_003072.5(SMARCA4):c.1024A>G (p.Met342Val)

Gene: SMARCA4 (SWI/SNF related BAF chromatin remodeling complex subunit ATPase 4; plus strand). Cytogenetic location: 19p13.2.
Variant type: single nucleotide variant.
Coding change: c.1024A>G on transcript NM_003072.5 (MANE Select); coding-DNA position 1024, A replaced by G.
Protein change: p.Met342Val; replaces methionine 342 with valine.
Molecular consequence: missense variant. On other transcripts: non-coding transcript variant (1).
Genome position (GRCh38, 1-based): chr19:10,987,830, A>G. VCF-style: chr19-10987830-A-G. GRCh37 (hg19) VCF-style: chr19-11098506-A-G.
Other names: c.1024A>G, p.Met342Val (NM_001128844.3, NM_001128845.2, NM_001128846.2 and 5 more transcripts); short protein forms M342V.
Identifiers: ClinVar variation 238357 (VCV000238357.18), dbSNP rs878854196, ClinGen allele CA10583727.